The following is an entry in ClinVar:

ClinVar aggregate classification (germline): Uncertain significance (1 of 4 stars; one submission).

Allele frequency attached by ClinVar (database versions not stated): TOPMed below 0.00001; gnomAD 0.00001.
gnomAD v4.1: 1 of 1,613,618 alleles (0.000062%); highest among the groups gnomAD compares: Non-Finnish European, 0.000085%; no homozygotes.

Submission:

CeGaT Center for Human Genetics Tuebingen
Classification: Uncertain significance. Last evaluated: 2022-09-01. Review status: criteria provided, single submitter. Criteria: CeGaT Center For Human Genetics Tuebingen Variant Classification Criteria Version 2. Collection method: clinical testing. Allele origin: germline. Affected: yes. Observed: 1 variant allele.
Comment: ZMYND11: PM2:Supporting, BP1

NM_001370100.5(ZMYND11):c.137G>A (p.Gly46Asp)

Gene: ZMYND11 (zinc finger MYND-type containing 11; plus strand). Cytogenetic location: 10p15.3.
Variant type: single nucleotide variant.
Coding change: c.137G>A on transcript NM_001370100.5 (MANE Select); coding-DNA position 137, G replaced by A.
Protein change: p.Gly46Asp; replaces glycine 46 with aspartic acid.
Molecular consequence: missense variant. On other transcripts: non-coding transcript variant (1), intron variant (1).
Genome position (GRCh38, 1-based): chr10:209,909, G>A. VCF-style: chr10-209909-G-A. GRCh37 (hg19) VCF-style: chr10-255849-G-A.
Other names: c.137G>A, p.Gly46Asp (NM_001161482.1, NM_001202464.3, NM_001202465.3 and 25 more transcripts); c.86G>A, p.Gly29Asp (NM_001330057.3, NM_001370112.2, NM_001370123.2); c.71G>A, p.Gly24Asp (NM_001370116.2, NM_001370120.2); c.17G>A, p.Gly6Asp (NM_001370118.2, NM_001370121.2); c.-33-26929G>A (NM_001370124.3); short protein forms G24D, G29D, G46D, G6D.
Identifiers: ClinVar variation 1711251 (VCV001711251.30), dbSNP rs1274061878, ClinGen allele CA375841833.
Genomic context (GRCh38, chr10:209,909, plus strand): 5'-TACTGAAAGATTTTTAAATTTGTTTTTCCTCTGTGTTCAGGTATATGTCTCGAGTCCACG[G>A]TATGCACCCTAAAGAGACCACCCGTCAGCTGAGCTTAGCTGTGAAAGATGGTCTTATTGT-3'
Protein context (NP_001357029.1, residues 36-56): RITKYMSRVH[Gly46Asp]MHPKETTRQL